The following is an entry in ClinVar:

ClinVar aggregate classification (germline): Pathogenic (1 of 4 stars; one submission).

Conditions:
Neuronal ceroid lipofuscinosis 1 (CLN1). Also called: PPT1-Related Neuronal Ceroid-Lipofuscinosis; CEROID LIPOFUSCINOSIS, NEURONAL, 1, VARIABLE AGE AT ONSET. Identifiers: Orphanet 228329, MedGen C1850451, MONDO:0009744, OMIM 256730.

Allele frequency attached by ClinVar (database versions not stated): gnomAD exomes below 0.00001; TOPMed below 0.00001.
gnomAD v4.1: 1 of 1,614,122 alleles (0.000062%); highest among the groups gnomAD compares: Non-Finnish European, 0.000085%; no homozygotes.

Submission:

Labcorp Genetics (formerly Invitae), Labcorp
Classification: Pathogenic for Neuronal ceroid lipofuscinosis 1. Last evaluated: 2025-06-10. Review status: criteria provided, single submitter. Criteria: Invitae Variant Classification Sherloc (09022015). Collection method: clinical testing. Allele origin: germline.
Comment: This sequence change creates a premature translational stop signal (p.Trp243*) in the PPT1 gene. It is expected to result in an absent or disrupted protein product. Loss-of-function variants in PPT1 are known to be pathogenic (PMID: 10679943, 21990111). This variant is not present in population databases (gnomAD no frequency). This variant has not been reported in the literature in individuals affected with PPT1-related conditions. ClinVar contains an entry for this variant (Variation ID: 1385000). Algorithms developed to predict the effect of sequence changes on RNA splicing suggest that this variant may create or strengthen a splice site. For these reasons, this variant has been classified as Pathogenic.

Literature cited by the submitters: PubMed 10679943; PubMed 21990111.

NM_000310.4(PPT1):c.728G>A (p.Trp243Ter)

Gene: PPT1 (palmitoyl-protein thioesterase 1; minus strand). Cytogenetic location: 1p34.2.
Variant type: single nucleotide variant.
Coding change: c.728G>A on transcript NM_000310.4 (MANE Select); coding-DNA position 728, G replaced by A.
Protein change: p.Trp243Ter; replaces tryptophan 243 with a stop codon.
Molecular consequence: nonsense. On other transcripts: intron variant (1).
Genome position (GRCh38, 1-based): chr1:40,076,912, C>T on the plus strand (G>A on the coding strand, the complement: PPT1 is on the minus strand). VCF-style: chr1-40076912-C-T. GRCh37 (hg19) VCF-style: chr1-40542584-C-T.
Other names: c.419G>A, p.Trp140Ter (NM_001142604.2); c.726+1648G>A (NM_001363695.2); short protein forms W140*, W243*.
Identifiers: ClinVar variation 1385000 (VCV001385000.6), dbSNP rs1477443863, ClinGen allele CA339846507.